The following is an entry in ClinVar:

NM_007144.3(PCGF2):c.481-3C>G

Gene: PCGF2 (polycomb group ring finger 2; minus strand). Cytogenetic location: 17q12.
Variant type: single nucleotide variant.
Coding change: c.481-3C>G on transcript NM_007144.3 (MANE Select); 3 bases into the intron before coding-DNA position 481, C replaced by G.
Molecular consequence: intron variant.
Genome position (GRCh38, 1-based): chr17:38,738,451, G>C on the plus strand (C>G on the coding strand, the complement: PCGF2 is on the minus strand). VCF-style: chr17-38738451-G-C. GRCh37 (hg19) VCF-style: chr17-36894704-G-C.
Other names: c.481-3C>G (NM_001369614.1, NM_001369615.1).
Identifiers: ClinVar variation 2824212 (VCV002824212.3), dbSNP rs113926345, ClinGen allele CA2637511367.

ClinVar aggregate classification (germline): Uncertain significance (1 of 4 stars; one submission).

gnomAD v4.1: 1 of 1,613,974 alleles (0.000062%); highest among the groups gnomAD compares: Non-Finnish European, 0.000085%; no homozygotes.

Submission:

Labcorp Genetics (formerly Invitae), Labcorp
Classification: Uncertain significance. Last evaluated: 2022-12-25. Review status: criteria provided, single submitter. Criteria: Invitae Variant Classification Sherloc (09022015). Collection method: clinical testing. Allele origin: germline.
Comment: In summary, the available evidence is currently insufficient to determine the role of this variant in disease. Therefore, it has been classified as a Variant of Uncertain Significance. Variants that disrupt the consensus splice site are a relatively common cause of aberrant splicing (PMID: 17576681, 9536098). Algorithms developed to predict the effect of sequence changes on RNA splicing suggest that this variant may disrupt the consensus splice site. This variant has not been reported in the literature in individuals affected with PCGF2-related conditions. This variant is not present in population databases (gnomAD no frequency). This sequence change falls in intron 8 of the PCGF2 gene. It does not directly change the encoded amino acid sequence of the PCGF2 protein. It affects a nucleotide within the consensus splice site.

Literature cited by the submitters: PubMed 17576681; PubMed 9536098.